The following is an entry in ClinVar:

NM_001267550.2(TTN):c.71241T>C (p.Ser23747=)

Genes: TTN (titin; minus strand), TTN-AS1 (TTN antisense RNA 1; plus strand). Cytogenetic location: 2q31.2.
Variant type: single nucleotide variant.
Coding change: c.71241T>C on transcript NM_001267550.2 (MANE Select); coding-DNA position 71241, T replaced by C.
Protein change: p.Ser23747=; no amino-acid change (serine 23747 retained).
Molecular consequence: synonymous variant.
Genome position (GRCh38, 1-based): chr2:178,574,891, A>G on the plus strand (T>C on the coding strand, the complement: TTN is on the minus strand). VCF-style: chr2-178574891-A-G. GRCh37 (hg19) VCF-style: chr2-179439618-A-G.
Other names: c.66318T>C, p.Ser22106= (NM_001256850.1); c.44046T>C, p.Ser14682= (NM_003319.4); c.63537T>C, p.Ser21179= (NM_133378.4); c.44421T>C, p.Ser14807= (NM_133432.3); c.44622T>C, p.Ser14874= (NM_133437.4).
Identifiers: ClinVar variation 514640 (VCV000514640.1), dbSNP rs1553611892, ClinGen allele CA430257712.

ClinVar aggregate classification (germline): Likely benign (1 of 4 stars; one submission).

Submission:

GeneDx
Classification: Likely benign. Last evaluated: 2018-01-03. Review status: criteria provided, single submitter. Criteria: GeneDx Variant Classification (06012015). Collection method: clinical testing. Allele origin: germline. Affected: yes.
Comment: This variant is considered likely benign or benign based on one or more of the following criteria: it is a conservative change, it occurs at a poorly conserved position in the protein, it is predicted to be benign by multiple in silico algorithms, and/or has population frequency not consistent with disease.